The following is an entry in ClinVar:

NM_005097.4(LGI1):c.1190C>T (p.Pro397Leu)

Gene: LGI1 (leucine rich glioma inactivated 1; plus strand). Cytogenetic location: 10q23.33.
Variant type: single nucleotide variant.
Coding change: c.1190C>T on transcript NM_005097.4 (MANE Select); coding-DNA position 1190, C replaced by T.
Protein change: p.Pro397Leu; replaces proline 397 with leucine.
Molecular consequence: missense variant. On other transcripts: non-coding transcript variant (1), intron variant (1).
Genome position (GRCh38, 1-based): chr10:93,797,319, C>T. VCF-style: chr10-93797319-C-T. GRCh37 (hg19) VCF-style: chr10-95557076-C-T.
Other names: c.1046C>T, p.Pro349Leu (NM_001308276.2); c.839-430C>T (NM_001308275.2); short protein forms P397L, P349L.
Identifiers: ClinVar variation 1376679 (VCV001376679.8), dbSNP rs2134026607, ClinGen allele CA377628188.
Genomic context (GRCh38, chr10:93,797,319, plus strand): 5'-ACAGGGACACTGATGTGGAATATCTAGAAATAGTCAGAACACCTCAGACACTCAGAACGC[C>T]TCATTTAATTCTGTCTAGTAGTTCCCAGCGTCCTGTAATTTATCAGTGGAACAAAGCAAC-3'
Protein context (NP_005088.1, residues 387-407): IVRTPQTLRT[Pro397Leu]HLILSSSSQR

ClinVar aggregate classification (germline): Uncertain significance (1 of 4 stars; one submission).

Conditions:
Autosomal dominant epilepsy with auditory features. Identifiers: Orphanet 101046, MedGen C1838062, MONDO:0010898.

Submission:

Labcorp Genetics (formerly Invitae), Labcorp
Classification: Uncertain significance for Autosomal dominant epilepsy with auditory features. Last evaluated: 2022-09-07. Review status: criteria provided, single submitter. Criteria: Invitae Variant Classification Sherloc (09022015). Collection method: clinical testing. Allele origin: germline.
Comment: In summary, the available evidence is currently insufficient to determine the role of this variant in disease. Therefore, it has been classified as a Variant of Uncertain Significance. Algorithms developed to predict the effect of missense changes on protein structure and function (SIFT, PolyPhen-2, Align-GVGD) all suggest that this variant is likely to be disruptive. ClinVar contains an entry for this variant (Variation ID: 1376679). This variant has not been reported in the literature in individuals affected with LGI1-related conditions. This variant is not present in population databases (gnomAD no frequency). This sequence change replaces proline, which is neutral and non-polar, with leucine, which is neutral and non-polar, at codon 397 of the LGI1 protein (p.Pro397Leu).